The following is an entry in ClinVar:

ClinVar aggregate classification (germline): Benign (0 of 4 stars; one submission).

Conditions:
DISP3-related disorder. Also called: DISP3-related condition.

Allele frequency attached by ClinVar (database versions not stated): gnomAD exomes 0.00017; ExAC 0.00056; ESP Exome Variant Server 0.00112; gnomAD 0.00188; 1000 Genomes Project 0.00200; TOPMed 0.00214; 1000 Genomes Project 30x 0.00312.
gnomAD v4.1: 534 of 1,613,886 alleles (0.033%); highest among the groups gnomAD compares: African/African-American, 0.65%; 1 homozygote.

Submission:

PreventionGenetics, part of Exact Sciences
Classification: Benign for DISP3-related condition. Last evaluated: 2020-12-22. Review status: no assertion criteria provided. Collection method: clinical testing. Allele origin: germline.
Comment: This variant is classified as benign based on ACMG/AMP sequence variant interpretation guidelines (Richards et al. 2015 PMID: 25741868, with internal and published modifications).

NM_020780.2(DISP3):c.208A>G (p.Asn70Asp)

Gene: DISP3 (dispatched RND transporter family member 3; plus strand). Cytogenetic location: 1p36.22.
Variant type: single nucleotide variant.
Coding change: c.208A>G on transcript NM_020780.2 (MANE Select); coding-DNA position 208, A replaced by G.
Protein change: p.Asn70Asp; replaces asparagine 70 with aspartic acid.
Molecular consequence: missense variant.
Genome position (GRCh38, 1-based): chr1:11,501,200, A>G. VCF-style: chr1-11501200-A-G. GRCh37 (hg19) VCF-style: chr1-11561257-A-G.
Other names: short protein forms N70D.
Identifiers: ClinVar variation 3040615 (VCV003040615.2), dbSNP rs202214902, ClinGen allele CA591355.